The following is an entry in ClinVar:

NM_000078.3(CETP):c.1046C>A (p.Ser349Tyr)

Gene: CETP (cholesteryl ester transfer protein; plus strand). Cytogenetic location: 16q13.
Variant type: single nucleotide variant.
Coding change: c.1046C>A on transcript NM_000078.3 (MANE Select); coding-DNA position 1046, C replaced by A.
Protein change: p.Ser349Tyr; replaces serine 349 with tyrosine.
Molecular consequence: missense variant.
Genome position (GRCh38, 1-based): chr16:56,978,155, C>A. VCF-style: chr16-56978155-C-A. GRCh37 (hg19) VCF-style: chr16-57012067-C-A.
Other names: c.866C>A, p.Ser289Tyr (NM_001286085.2); short protein forms S349Y, S289Y.
Identifiers: ClinVar variation 319988 (VCV000319988.9), dbSNP rs752298084, ClinGen allele CA8071207.

ClinVar aggregate classification (germline): Benign/Likely benign. Review status: criteria provided, multiple submitters, no conflicts (2 of 4 stars). 3 submissions from 3 submitters: Benign (2); Likely benign (1). Last evaluated 2026-01-15.

Conditions:
Hyperalphalipoproteinemia 1 (HALP1). Also called: CETP-Related Hyperalphalipoproteinemia; CETP DEFICIENCY. Identifiers: MedGen C3149462, OMIM 143470.

Allele frequency attached by ClinVar (database versions not stated): TOPMed 0.00011; gnomAD 0.00013 and 0.00015; gnomAD exomes 0.00020 and 0.00028; ExAC 0.00033.
gnomAD v4.1: 309 of 1,614,146 alleles (0.019%); highest among the groups gnomAD compares: South Asian, 0.18%; 5 homozygotes.

Submissions (3):

Labcorp Genetics (formerly Invitae), Labcorp
Classification: Likely benign. Last evaluated: 2026-01-15. Review status: criteria provided, single submitter. Criteria: Invitae Variant Classification Sherloc (09022015). Collection method: clinical testing. Allele origin: germline.

Illumina Laboratory Services, Illumina
Classification: Benign for Hyperalphalipoproteinemia 1. Last evaluated: 2018-03-06. Review status: criteria provided, single submitter. Criteria: ICSL Variant Classification Criteria 13 December 2019. Collection method: clinical testing. Allele origin: germline.
Comment: This variant was observed in the ICSL laboratory as part of a predisposition screen in an ostensibly healthy population. It had not been previously curated by ICSL or reported in the Human Gene Mutation Database (HGMD: prior to June 1st, 2018), and was therefore a candidate for classification through an automated scoring system. Utilizing variant allele frequency, disease prevalence and penetrance estimates, and inheritance mode, an automated score was calculated to assess if this variant is too frequent to cause the disease. Based on the score and internal cut-off values, a variant classified as benign is not then subjected to further curation. The score for this variant resulted in a classification of benign for this disease.

Breakthrough Genomics
Classification: Benign. Review status: criteria provided, single submitter. Criteria: ACMG Guidelines, 2015. Collection method: not provided. Allele origin: germline. Inheritance: Autosomal dominant inheritance. Affected: yes.